The following is an entry in ClinVar:

NM_007186.6(CEP250):c.5092G>A (p.Glu1698Lys)

Gene: CEP250 (centrosomal protein 250; plus strand). Cytogenetic location: 20q11.22.
Variant type: single nucleotide variant.
Coding change: c.5092G>A on transcript NM_007186.6 (MANE Select); coding-DNA position 5092, G replaced by A.
Protein change: p.Glu1698Lys; replaces glutamic acid 1698 with lysine.
Molecular consequence: missense variant.
Genome position (GRCh38, 1-based): chr20:35,503,461, G>A. VCF-style: chr20-35503461-G-A. GRCh37 (hg19) VCF-style: chr20-34091289-G-A.
Other names: c.3196G>A, p.Glu1066Lys (NM_001318219.1); short protein forms E1698K, E1066K.
Identifiers: ClinVar variation 843525 (VCV000843525.8), dbSNP rs2064079583, ClinGen allele CA408750332.

ClinVar aggregate classification (germline): Uncertain significance (1 of 4 stars; one submission).

Submission:

Labcorp Genetics (formerly Invitae), Labcorp
Classification: Uncertain significance. Last evaluated: 2019-12-27. Review status: criteria provided, single submitter. Criteria: Invitae Variant Classification Sherloc (09022015). Collection method: clinical testing. Allele origin: germline.
Comment: In summary, the available evidence is currently insufficient to determine the role of this variant in disease. Therefore, it has been classified as a Variant of Uncertain Significance. Algorithms developed to predict the effect of missense changes on protein structure and function are either unavailable or do not agree on the potential impact of this missense change (SIFT: "Not Available"; PolyPhen-2: "Probably Damaging"; Align-GVGD: "Not Available"). This variant has not been reported in the literature in individuals with CEP250-related conditions. This variant is not present in population databases (ExAC no frequency). This sequence change replaces glutamine with lysine at codon 1698 of the CEP250 protein (p.Glu1698Lys). The glutatmine residue is moderately conserved and there is a small physicochemical difference between glutamine and lysine.